The following is an entry in ClinVar:

ClinVar aggregate classification (germline): Uncertain significance (1 of 4 stars; one submission).

Allele frequency attached by ClinVar (database versions not stated): gnomAD 0.00002; TOPMed 0.00002; ExAC 0.00003.
gnomAD v4.1: 18 of 1,613,960 alleles (0.0011%); highest among the groups gnomAD compares: East Asian, 0.04%; no homozygotes.

Submission:

Labcorp Genetics (formerly Invitae), Labcorp
Classification: Uncertain significance. Last evaluated: 2023-12-30. Review status: criteria provided, single submitter. Criteria: Invitae Variant Classification Sherloc (09022015). Collection method: clinical testing. Allele origin: germline.
Comment: This sequence change replaces leucine, which is neutral and non-polar, with phenylalanine, which is neutral and non-polar, at codon 501 of the MECOM protein (p.Leu501Phe). This variant is present in population databases (rs776874228, gnomAD 0.07%), and has an allele count higher than expected for a pathogenic variant. This missense change has been observed in individual(s) with pancreatic adenosquamous carcinoma (PMID: 31958074). An algorithm developed to predict the effect of missense changes on protein structure and function (PolyPhen-2) suggests that this variant is likely to be disruptive. In summary, the available evidence is currently insufficient to determine the role of this variant in disease. Therefore, it has been classified as a Variant of Uncertain Significance.

Literature cited by the submitters: PubMed 31958074.

NM_004991.4(MECOM):c.2067A>C (p.Leu689Phe)

Gene: MECOM (MDS1 and EVI1 complex locus; minus strand). Cytogenetic location: 3q26.2.
Variant type: single nucleotide variant.
Coding change: c.2067A>C on transcript NM_004991.4 (MANE Select); coding-DNA position 2067, A replaced by C.
Protein change: p.Leu689Phe; replaces leucine 689 with phenylalanine.
Molecular consequence: missense variant. On other transcripts: intron variant (2).
Genome position (GRCh38, 1-based): chr3:169,115,805, T>G on the plus strand (A>C on the coding strand, the complement: MECOM is on the minus strand). VCF-style: chr3-169115805-T-G. GRCh37 (hg19) VCF-style: chr3-168833593-T-G.
Other names: c.1506A>C, p.Leu502Phe (NM_001163999.2, NM_001366467.2, NM_001366468.2 and 1 more transcripts); c.1503A>C, p.Leu501Phe (NM_001164000.2, NM_001205194.2, NM_001366469.2 and 4 more transcripts); c.2067A>C, p.Leu689Phe (NM_001366466.2); c.1133-38A>C (NM_001366473.2); c.569-38A>C (NM_001366474.2); c.1698A>C, p.Leu566Phe (NM_001105077.4); short protein forms L566F, L689F, L502F, L501F.
Identifiers: ClinVar variation 2902985 (VCV002902985.3), dbSNP rs776874228, ClinGen allele CA2696247.